The following is an entry in ClinVar:

ClinVar aggregate classification (germline): Pathogenic/Likely pathogenic. Review status: criteria provided, multiple submitters, no conflicts (2 of 4 stars). 2 submissions from 2 submitters: Pathogenic (1); Likely pathogenic (1). Last evaluated 2024-09-14.

Conditions:
Melnick-Needles syndrome (MNS). Also called: MELNICK-NEEDLES OSTEODYSPLASTY; OSTEODYSPLASTY OF MELNICK AND NEEDLES; Melnick-Needles Syndrome (FLNA-MNS). Identifiers: Orphanet 2484, MedGen C0025237, MONDO:0010650, OMIM 309350.
Frontometaphyseal dysplasia (FMD1). Identifiers: Orphanet 1826, MedGen C0265293, MONDO:0015942.
Oto-palato-digital syndrome, type II (OPD2). Also called: FACIOPALATOOSSEOUS SYNDROME; Otopalatodigital Syndrome, Type II; OPD II SYNDROME; Otopalatodigital Syndrome Type 2 (FLNA-OPD2). Identifiers: Orphanet 669, Orphanet 90652, MedGen C1844696, MONDO:0010571, OMIM 304120.
Heterotopia, periventricular, X-linked dominant (PVNH1). Also called: PERIVENTRICULAR NODULAR HETEROTOPIA 4; HETEROTOPIA, PERIVENTRICULAR, 1; PERIVENTRICULAR NODULAR HETEROTOPIA 1; X-linked periventricular heterotopia. Identifiers: Orphanet 2149, Orphanet 82004, MedGen C1848213, MONDO:0010233, OMIM 300049.
FLNA-related disorder.

Submissions (2):

Labcorp Genetics (formerly Invitae), Labcorp
Classification: Pathogenic for Oto-palato-digital syndrome, type II; Heterotopia, periventricular, X-linked dominant; Frontometaphyseal dysplasia; Melnick-Needles syndrome. Last evaluated: 2024-09-14. Review status: criteria provided, single submitter. Criteria: Invitae Variant Classification Sherloc (09022015). Collection method: clinical testing. Allele origin: germline.
Comment: This sequence change creates a premature translational stop signal (p.Tyr1712*) in the FLNA gene. It is expected to result in an absent or disrupted protein product. Loss-of-function variants in FLNA are known to be pathogenic (PMID: 16684786, 20730588, 26471271). This variant is not present in population databases (gnomAD no frequency). This premature translational stop signal has been observed in individual(s) with sinus of valsalva aneurysm (PMID: 36372407). This variant is also known as c.5160C>G (p.Tyr1720Ter). For these reasons, this variant has been classified as Pathogenic.

Blueprint Genetics
Classification: Likely pathogenic for FLNA-related disorders. Last evaluated: 2022-06-28. Review status: criteria provided, single submitter. Criteria: ACMG Guidelines, 2015. Collection method: clinical testing. Allele origin: germline. Affected: yes. Observed: 1 variant allele.

Literature cited by the submitters: PubMed 16684786 (cited by Labcorp Genetics (formerly Invitae), Labcorp); PubMed 20730588 (cited by Labcorp Genetics (formerly Invitae), Labcorp); PubMed 26471271 (cited by Labcorp Genetics (formerly Invitae), Labcorp); PubMed 36372407 (cited by Labcorp Genetics (formerly Invitae), Labcorp).

NM_001110556.2(FLNA):c.5160C>G (p.Tyr1720Ter)

Gene: FLNA (filamin A; minus strand). Cytogenetic location: Xq28.
Variant type: single nucleotide variant.
Coding change: c.5160C>G on transcript NM_001110556.2 (MANE Select); coding-DNA position 5160, C replaced by G.
Protein change: p.Tyr1720Ter; replaces tyrosine 1720 with a stop codon.
Molecular consequence: nonsense.
Genome position (GRCh38, 1-based): chrX:154,354,882, G>C on the plus strand (C>G on the coding strand, the complement: FLNA is on the minus strand). VCF-style: chrX-154354882-G-C. GRCh37 (hg19) VCF-style: chrX-153583250-G-C.
Other names: c.5136C>G, p.Tyr1712Ter (NM_001456.4); short protein forms Y1720*, Y1712*.
Identifiers: ClinVar variation 2949257 (VCV002949257.4), dbSNP rs782152127, ClinGen allele CA415207461.